The following is an entry in ClinVar:

NM_000969.5(RPL5):c.161G>C (p.Arg54Pro)

Genes: DIPK1A (divergent protein kinase domain 1A; minus strand), RPL5 (ribosomal protein L5; plus strand). Cytogenetic location: 1p22.1.
Variant type: single nucleotide variant.
Coding change: c.161G>C on transcript NM_000969.5 (MANE Select); coding-DNA position 161, G replaced by C.
Protein change: p.Arg54Pro; replaces arginine 54 with proline.
Molecular consequence: missense variant. On other transcripts: non-coding transcript variant (1), intron variant (1).
Genome position (GRCh38, 1-based): chr1:92,833,632, G>C. VCF-style: chr1-92833632-G-C. GRCh37 (hg19) VCF-style: chr1-93299189-G-C.
Other names: c.475-598C>G (NM_001252273.2); short protein forms R54P.
Identifiers: ClinVar variation 2761597 (VCV002761597.3), dbSNP rs912779029, ClinGen allele CA341241042.

ClinVar aggregate classification (germline): Pathogenic (1 of 4 stars; one submission).

Conditions:
Diamond-Blackfan anemia. Also called: Blackfan Diamond syndrome; Aregenerative anemia chronic congenital; Red cell aplasia, pure hereditary; Congenital hypoplastic anemia; Aase syndrome. Identifiers: Orphanet 124, MedGen C1260899, MeSH D029503, MONDO:0015253, HP:0004810.

Submission:

Labcorp Genetics (formerly Invitae), Labcorp
Classification: Pathogenic for Diamond-Blackfan anemia. Last evaluated: 2025-05-14. Review status: criteria provided, single submitter. Criteria: Invitae Variant Classification Sherloc (09022015). Collection method: clinical testing. Allele origin: germline.
Comment: This sequence change replaces arginine, which is basic and polar, with proline, which is neutral and non-polar, at codon 54 of the RPL5 protein (p.Arg54Pro). This variant is not present in population databases (gnomAD no frequency). This missense change has been observed in individual(s) with Diamond-Blackfan anemia (internal data). In at least one individual the variant was observed to be de novo. ClinVar contains an entry for this variant (Variation ID: 2761597). Invitae Evidence Modeling of protein sequence and biophysical properties (such as structural, functional, and spatial information, amino acid conservation, physicochemical variation, residue mobility, and thermodynamic stability) indicates that this missense variant is expected to disrupt RPL5 protein function with a positive predictive value of 80%. For these reasons, this variant has been classified as Pathogenic.